The following is an entry in ClinVar:

ClinVar aggregate classification (germline): Uncertain significance (1 of 4 stars; one submission).

Allele frequency attached by ClinVar (database versions not stated): ExAC 0.00002; gnomAD exomes 0.00002 and 0.00003; gnomAD 0.00005; TOPMed 0.00006; 1000 Genomes Project 0.00020; 1000 Genomes Project 30x 0.00031.
gnomAD v4.1: 33 of 1,614,140 alleles (0.002%); highest among the groups gnomAD compares: African/African-American, 0.011%; no homozygotes.

Submission:

Labcorp Genetics (formerly Invitae), Labcorp
Classification: Uncertain significance. Last evaluated: 2021-09-23. Review status: criteria provided, single submitter. Criteria: Invitae Variant Classification Sherloc (09022015). Collection method: clinical testing. Allele origin: germline.
Comment: This sequence change replaces threonine with methionine at codon 1606 of the HSPG2 protein (p.Thr1606Met). The threonine residue is highly conserved and there is a moderate physicochemical difference between threonine and methionine. This variant is present in population databases (rs183329264, ExAC 0.005%). This variant has not been reported in the literature in individuals affected with HSPG2-related conditions. Algorithms developed to predict the effect of missense changes on protein structure and function are either unavailable or do not agree on the potential impact of this missense change (SIFT: "Deleterious"; PolyPhen-2: "Probably Damaging"; Align-GVGD: "Class C0"). In summary, the available evidence is currently insufficient to determine the role of this variant in disease. Therefore, it has been classified as a Variant of Uncertain Significance.

NM_005529.7(HSPG2):c.4817C>T (p.Thr1606Met)

Gene: HSPG2 (heparan sulfate proteoglycan 2; minus strand). Cytogenetic location: 1p36.12.
Variant type: single nucleotide variant.
Coding change: c.4817C>T on transcript NM_005529.7 (MANE Select); coding-DNA position 4817, C replaced by T.
Protein change: p.Thr1606Met; replaces threonine 1606 with methionine.
Molecular consequence: missense variant.
Genome position (GRCh38, 1-based): chr1:21,862,039, G>A on the plus strand (C>T on the coding strand, the complement: HSPG2 is on the minus strand). VCF-style: chr1-21862039-G-A. GRCh37 (hg19) VCF-style: chr1-22188532-G-A.
Other names: c.4820C>T, p.Thr1607Met (NM_001291860.2); short protein forms T1606M, T1607M.
Identifiers: ClinVar variation 1402647 (VCV001402647.3), dbSNP rs183329264, ClinGen allele CA672157.
Genomic context (GRCh38, chr1:21,862,039, plus strand): 5'-GGTACCCACATGTTCTCTGGGTTGGTCAGTGGGCAGGCACAGGGCTGGCAGTCCTCAGGC[G>A]TCCCGGCTGTGGCATCTCCGTAGTAGCCAGGGGCACAAAGCTCGCAGAACTCCCCTGCGG-3'
Protein context (NP_005520.4, residues 1596-1616): PGYYGDATAG[Thr1606Met]PEDCQPCACP